The following is an entry in ClinVar:

ClinVar aggregate classification (germline): Likely benign. Review status: criteria provided, multiple submitters, no conflicts (2 of 4 stars). 5 submissions from 5 submitters: Likely benign (5). Last evaluated 2025-12-02.

Conditions:
Ehlers-Danlos syndrome, type 4 (EDSVASC). Also called: Ehlers-Danlos syndrome vascular type; Ehlers Danlos syndrome, ecchymotic type; Ehlers Danlos syndrome, arterial type; Ehlers Danlos syndrome, Sack-Barabas type; Ehlers-Danlos Syndrome Type IV. Identifiers: Orphanet 286, MedGen C0268338, MONDO:0017314, OMIM 130050.
Familial thoracic aortic aneurysm and aortic dissection (TAAD). Also called: Thoracic aortic aneurysms and dissections. Identifiers: Orphanet 91387, MedGen C4707243, MONDO:0019625.

Allele frequency attached by ClinVar (database versions not stated): TOPMed 0.00002.
gnomAD v4.1: 41 of 1,614,104 alleles (0.0025%); highest among the groups gnomAD compares: Non-Finnish European, 0.0034%; no homozygotes.

Submissions (5):

Labcorp Genetics (formerly Invitae), Labcorp
Classification: Likely benign for Ehlers-Danlos syndrome, type 4. Last evaluated: 2025-12-02. Review status: criteria provided, single submitter. Criteria: Invitae Variant Classification Sherloc (09022015). Collection method: clinical testing. Allele origin: germline.

All of Us Research Program, National Institutes of Health
Classification: Likely benign for Ehlers-Danlos syndrome, type 4. Last evaluated: 2023-11-30. Review status: criteria provided, single submitter. Criteria: ACMG Guidelines, 2015. Collection method: clinical testing. Allele origin: germline. Inheritance: Autosomal dominant inheritance. Observed: 2 variant alleles, 2 heterozygotes.
Comment: This study involves interpretation of variants in research participants for the purpose of population health screening. Participant phenotype was not available at the time of variant classification. Additional details can be found in publication PMID: 35346344, PMCID: PMC8962531

Ambry Genetics
Classification: Likely benign for Familial thoracic aortic aneurysm and aortic dissection. Last evaluated: 2020-11-16. Review status: criteria provided, single submitter. Criteria: Ambry Variant Classification Scheme 2023. Collection method: clinical testing. Allele origin: germline.

GeneDx
Classification: Likely benign. Last evaluated: 2020-03-26. Review status: criteria provided, single submitter. Criteria: GeneDx Variant Classification Process June 2021. Collection method: clinical testing. Allele origin: germline. Affected: yes.

Color Diagnostics, LLC DBA Color Health
Classification: Likely benign for Familial thoracic aortic aneurysm and aortic dissection. Last evaluated: 2020-01-27. Review status: criteria provided, single submitter. Criteria: ACMG Guidelines, 2015. Collection method: clinical testing. Allele origin: germline.

NM_000090.4(COL3A1):c.3390C>A (p.Ile1130=)

Gene: COL3A1 (collagen type III alpha 1 chain; plus strand). Cytogenetic location: 2q32.2.
Variant type: single nucleotide variant.
Coding change: c.3390C>A on transcript NM_000090.4 (MANE Select); coding-DNA position 3390, C replaced by A.
Protein change: p.Ile1130=; no amino-acid change (isoleucine 1130 retained).
Molecular consequence: synonymous variant.
Genome position (GRCh38, 1-based): chr2:189,007,911, C>A. VCF-style: chr2-189007911-C-A. GRCh37 (hg19) VCF-style: chr2-189872637-C-A.
Identifiers: ClinVar variation 926493 (VCV000926493.16), dbSNP rs148918486, ClinGen allele CA076074.